The following is an entry in ClinVar:

ClinVar aggregate classification (germline): Conflicting classifications of pathogenicity. Review status: criteria provided, conflicting classifications (1 of 4 stars). 3 submissions from 3 submitters: Uncertain significance (2); Likely benign (1). Last evaluated 2025-07-14.

Conditions:
Macrothrombocytopenia and granulocyte inclusions with or without nephritis or sensorineural hearing loss (MATINS). Also called: MACROTHROMBOCYTOPENIA WITH LEUKOCYTE INCLUSIONS; BLEEDING DISORDER, PLATELET-TYPE, 6; MAY-HEGGLIN ANOMALY; DOHLE LEUKOCYTE INCLUSIONS WITH GIANT PLATELETS; MYH9-Related Disease (MYH9-RD); SEBASTIAN PLATELET SYNDROME. Identifiers: Orphanet 182050, MedGen C5200934, MONDO:0015912, OMIM 155100.
Inborn genetic diseases. Identifiers: MedGen C0950123, MeSH D030342.

Allele frequency attached by ClinVar (database versions not stated): gnomAD exomes 0.00002.
gnomAD v4.1: 9 of 1,613,736 alleles (0.00056%); highest among the groups gnomAD compares: South Asian, 0.0099%; no homozygotes.

Submissions (3):

Labcorp Genetics (formerly Invitae), Labcorp
Classification: Likely benign. Last evaluated: 2025-07-14. Review status: criteria provided, single submitter. Criteria: Invitae Variant Classification Sherloc (09022015). Collection method: clinical testing. Allele origin: germline.

Ambry Genetics
Classification: Uncertain significance for Inborn genetic diseases. Last evaluated: 2023-10-05. Review status: criteria provided, single submitter. Criteria: Ambry Variant Classification Scheme 2023. Collection method: clinical testing. Allele origin: germline.

Neuberg Centre For Genomic Medicine, NCGM
Classification: Uncertain significance for Macrothrombocytopenia and granulocyte inclusions with or without nephritis or sensorineural hearing loss. Review status: criteria provided, single submitter. Criteria: ACMG Guidelines, 2015. Collection method: clinical testing. Allele origin: germline. Inheritance: Autosomal dominant inheritance. Affected: yes.
Comment: The missense variant c.3868A>G (p.Ser1290Gly) in MYH9 gene has not been reported previously as a pathogenic variant nor as a benign variant, to our knowledge. This variant is reported with the allele frequency (0.0008%) in the gnomAD and novel in 1000 genome database. The amino acid Serine at position 1290 is changed to a Glycine changing protein sequence and it might alter its composition and physico-chemical properties. The variant is predicted as conserved by GERP++ and PhyloP across 100 vertebrates. For these reasons, this variant has been classified as Uncertain Significance.

NM_002473.6(MYH9):c.3868A>G (p.Ser1290Gly)

Gene: MYH9 (myosin heavy chain 9; minus strand). Cytogenetic location: 22q12.3.
Variant type: single nucleotide variant.
Coding change: c.3868A>G on transcript NM_002473.6 (MANE Select); coding-DNA position 3868, A replaced by G.
Protein change: p.Ser1290Gly; replaces serine 1290 with glycine.
Molecular consequence: missense variant.
Genome position (GRCh38, 1-based): chr22:36,293,833, T>C on the plus strand (A>G on the coding strand, the complement: MYH9 is on the minus strand). VCF-style: chr22-36293833-T-C. GRCh37 (hg19) VCF-style: chr22-36689879-T-C.
Other names: c.3868A>G (NM_002473.4); short protein forms S1290G.
Identifiers: ClinVar variation 1945107 (VCV001945107.6), dbSNP rs1174428350, ClinGen allele CA411385404.